The following is an entry in ClinVar:

ClinVar aggregate classification (germline): Uncertain significance (1 of 4 stars; one submission).

Conditions:
Early-infantile DEE. Also called: Early infantile epileptic encephalopathy; Early infantile epileptic encephalopathy with suppression bursts; Ohtahara syndrome. Identifiers: Orphanet 1934, MedGen C0393706, MONDO:0800491.

Allele frequency attached by ClinVar (database versions not stated): gnomAD exomes below 0.00001; TOPMed below 0.00001.
gnomAD v4.1: 5 of 1,610,610 alleles (0.00031%); highest among the groups gnomAD compares: East Asian, 0.0022%; no homozygotes.

Submission:

Labcorp Genetics (formerly Invitae), Labcorp
Classification: Uncertain significance for Early-infantile DEE. Last evaluated: 2025-08-29. Review status: criteria provided, single submitter. Criteria: Invitae Variant Classification Sherloc (09022015). Collection method: clinical testing. Allele origin: germline.
Comment: This sequence change replaces arginine, which is basic and polar, with tryptophan, which is neutral and slightly polar, at codon 691 of the KCNH5 protein (p.Arg691Trp). This variant is present in population databases (no rsID available, gnomAD 0.007%). This variant has not been reported in the literature in individuals affected with KCNH5-related conditions. ClinVar contains an entry for this variant (Variation ID: 1516977). An algorithm developed to predict the effect of missense changes on protein structure and function (PolyPhen-2) suggests that this variant is likely to be tolerated. In summary, the available evidence is currently insufficient to determine the role of this variant in disease. Therefore, it has been classified as a Variant of Uncertain Significance.

NM_139318.5(KCNH5):c.2071C>T (p.Arg691Trp)

Gene: KCNH5 (potassium voltage-gated channel subfamily H member 5; minus strand). Cytogenetic location: 14q23.2.
Variant type: single nucleotide variant.
Coding change: c.2071C>T on transcript NM_139318.5 (MANE Select); coding-DNA position 2071, C replaced by T.
Protein change: p.Arg691Trp; replaces arginine 691 with tryptophan.
Molecular consequence: missense variant. On other transcripts: 3 prime UTR variant (1).
Genome position (GRCh38, 1-based): chr14:62,708,404, G>A on the plus strand (C>T on the coding strand, the complement: KCNH5 is on the minus strand). VCF-style: chr14-62708404-G-A. GRCh37 (hg19) VCF-style: chr14-63175122-G-A.
Other names: c.*38C>T (NM_172375.3); short protein forms R691W.
Identifiers: ClinVar variation 1516977 (VCV001516977.9), dbSNP rs1313204598, ClinGen allele CA390101408.
Genomic context (GRCh38, chr14:62,708,404, plus strand): 5'-GGAAGAGCTTTCTGACTGGGTGGTCCACGGGAATGCTGAGGGTCACCTCATTCTTCTGCC[G>A]GAGGCGCTCCTCCTCCTCTTTCTTCACATCACTGATCTTACGAAAGATGATCTGTGGAAC-3'
Protein context (NP_647479.2, residues 681-701): DVKKEEEERL[Arg691Trp]QKNEVTLSIP